The following is an entry in ClinVar:

ClinVar aggregate classification (germline): Uncertain significance (1 of 4 stars; one submission).

gnomAD v4.1: 2 of 1,614,152 alleles (0.00012%); highest among the groups gnomAD compares: South Asian, 0.0022%; no homozygotes.

Submission:

Labcorp Genetics (formerly Invitae), Labcorp
Classification: Uncertain significance. Last evaluated: 2022-07-05. Review status: criteria provided, single submitter. Criteria: Invitae Variant Classification Sherloc (09022015). Collection method: clinical testing. Allele origin: germline.
Comment: In summary, the available evidence is currently insufficient to determine the role of this variant in disease. Therefore, it has been classified as a Variant of Uncertain Significance. Algorithms developed to predict the effect of missense changes on protein structure and function are either unavailable or do not agree on the potential impact of this missense change (SIFT: "Deleterious"; PolyPhen-2: "Probably Damaging"; Align-GVGD: "Class C0"). ClinVar contains an entry for this variant (Variation ID: 1385421). This variant has not been reported in the literature in individuals affected with IMPG1-related conditions. This variant is not present in population databases (gnomAD no frequency). This sequence change replaces histidine, which is basic and polar, with glutamine, which is neutral and polar, at codon 150 of the IMPG1 protein (p.His150Gln).

NM_001563.4(IMPG1):c.450C>A (p.His150Gln)

Gene: IMPG1 (interphotoreceptor matrix proteoglycan 1; minus strand). Cytogenetic location: 6q14.1.
Variant type: single nucleotide variant.
Coding change: c.450C>A on transcript NM_001563.4 (MANE Select); coding-DNA position 450, C replaced by A.
Protein change: p.His150Gln; replaces histidine 150 with glutamine.
Molecular consequence: missense variant.
Genome position (GRCh38, 1-based): chr6:76,034,639, G>T on the plus strand (C>A on the coding strand, the complement: IMPG1 is on the minus strand). VCF-style: chr6-76034639-G-T. GRCh37 (hg19) VCF-style: chr6-76744356-G-T.
Other names: c.216C>A, p.His72Gln (NM_001282368.2); short protein forms H150Q, H72Q.
Identifiers: ClinVar variation 1385421 (VCV001385421.6), dbSNP rs2149488000, ClinGen allele CA364780329.
Genomic context (GRCh38, chr6:76,034,639, plus strand): 5'-TTCGTGCAGTGTTCCAAATAACCATGTGGTGTTTAGGCTCACCTGCTGGAGAAGATCCAG[G>T]TGCTCCTGGGAATTGCTGAAGTTTTTTCCAATGTCAAAGAGGCAGAAGGTCTCCTGCTGG-3'
Protein context (NP_001554.2, residues 140-160): IGKNFSNSQE[His150Gln]LDLLQQRIKQ